The following is an entry in ClinVar:

NM_003072.5(SMARCA4):c.4872G>A (p.Pro1624=)

Gene: SMARCA4 (SWI/SNF related BAF chromatin remodeling complex subunit ATPase 4; plus strand). Cytogenetic location: 19p13.2.
Variant type: single nucleotide variant.
Coding change: c.4872G>A on transcript NM_003072.5 (MANE Select); coding-DNA position 4872, G replaced by A.
Protein change: p.Pro1624=; no amino-acid change (proline 1624 retained).
Molecular consequence: synonymous variant. On other transcripts: non-coding transcript variant (1).
Genome position (GRCh38, 1-based): chr19:11,060,148, G>A. VCF-style: chr19-11060148-G-A. GRCh37 (hg19) VCF-style: chr19-11170824-G-A.
Other names: c.4872G>A, p.Pro1624= (NM_001128844.3); c.4782G>A, p.Pro1594= (NM_001128845.2); c.4779G>A, p.Pro1593= (NM_001128846.2); c.4773G>A, p.Pro1591= (NM_001128847.4, NM_001374457.1); c.4770G>A, p.Pro1590= (NM_001128848.2); c.4968G>A, p.Pro1656= (NM_001128849.3, NM_001387283.1).
Identifiers: ClinVar variation 238497 (VCV000238497.32), dbSNP rs182644267, ClinGen allele CA9204890.
Genomic context (GRCh38, chr19:11,060,148, plus strand): 5'-GGCACAGGACCGGCTGAAGGGCGGCCGGCGGCGGCCGAGCCGAGGGTCCCGAGCCAAGCC[G>A]GTCGTGAGTGACGATGACAGTGAGGAGGAACAAGAGGAGGTGAGGCCGGGCCCCCGAGCA-3'
Protein context (NP_003063.2, residues 1614-1634): RRPSRGSRAK[Pro1624=]VVSDDDSEEE

ClinVar aggregate classification (germline): Benign/Likely benign. Review status: criteria provided, multiple submitters, no conflicts (2 of 4 stars). 9 submissions from 9 submitters: Benign (5); Likely benign (3). 1 of the submissions does not count toward it. Last evaluated 2026-07-27.

Conditions:
SMARCA4-related disorder. Also called: SMARCA4-related condition.
Hereditary cancer-predisposing syndrome. Also called: Hereditary Cancer Syndrome; Tumor predisposition; Hereditary neoplastic syndrome; Neoplastic Syndromes, Hereditary. Identifiers: Orphanet 140162, MedGen C0027672, MeSH D009386, MONDO:0015356.
Intellectual disability, autosomal dominant 16 (CSS4). Also called: COFFIN-SIRIS SYNDROME 4. Identifiers: Orphanet 1465, MedGen C3553249, MONDO:0013821, OMIM 614609.
Rhabdoid tumor predisposition syndrome 2 (RTPS2). Identifiers: Orphanet 231108, Orphanet 69077, MedGen C2750074, MONDO:0013224, OMIM 613325.

Allele frequency attached by ClinVar (database versions not stated): gnomAD 0.00002 and 0.00005; 1000 Genomes Project 30x 0.00031; ExAC 0.00010; TOPMed 0.00014; 1000 Genomes Project 0.00020.
gnomAD v4.1: 221 of 1,551,214 alleles (0.014%); highest among the groups gnomAD compares: East Asian, 0.5%; 1 homozygote.

Submissions (9):

Myriad Genetics, Inc.
Classification: Benign for Rhabdoid tumor predisposition syndrome 2. Last evaluated: 2026-07-27. Review status: criteria provided, single submitter. Criteria: Myriad Autosomal Dominant, Autosomal Recessive and X-Linked Classification Criteria (2023). Collection method: clinical testing. Allele origin: unknown.
Comment: This variant is considered benign. This variant is a silent/synonymous amino acid change and it is not expected to impact splicing.

CeGaT Center for Human Genetics Tuebingen
Classification: Likely benign. Last evaluated: 2026-06-01. Review status: criteria provided, single submitter. Criteria: CeGaT Center For Human Genetics Tuebingen Variant Classification Criteria Version 2. Collection method: clinical testing. Allele origin: germline. Affected: yes. Observed: 2 variant alleles.
Comment: SMARCA4: BP4, BP7, BS1

Labcorp Genetics (formerly Invitae), Labcorp
Classification: Benign for Rhabdoid tumor predisposition syndrome 2. Last evaluated: 2026-01-21. Review status: criteria provided, single submitter. Criteria: Invitae Variant Classification Sherloc (09022015). Collection method: clinical testing. Allele origin: germline.

Quest Diagnostics Nichols Institute San Juan Capistrano
Classification: Benign. Last evaluated: 2023-05-01. Review status: criteria provided, single submitter. Criteria: Quest Diagnostics criteria. Collection method: clinical testing. Allele origin: unknown.

Genome-Nilou Lab
Classification: Benign for Intellectual disability, autosomal dominant 16. Last evaluated: 2021-07-15. Review status: criteria provided, single submitter. Criteria: ACMG Guidelines, 2015. Collection method: clinical testing. Allele origin: germline. Affected: no.

GeneDx
Classification: Likely benign. Last evaluated: 2021-06-01. Review status: criteria provided, single submitter. Criteria: GeneDx Variant Classification Process June 2021. Collection method: clinical testing. Allele origin: germline. Affected: yes.

Sema4
Classification: Benign for Hereditary cancer-predisposing syndrome. Last evaluated: 2021-02-18. Review status: criteria provided, single submitter. Criteria: Sema4 Curation Guidelines. Collection method: curation. Allele origin: germline.

Ambry Genetics
Classification: Likely benign for Hereditary cancer-predisposing syndrome. Last evaluated: 2016-01-13. Review status: criteria provided, single submitter. Criteria: Ambry Variant Classification Scheme 2023. Collection method: clinical testing. Allele origin: germline.

PreventionGenetics, part of Exact Sciences
Classification: Likely benign for SMARCA4-related condition. Last evaluated: 2023-02-21. Review status: no assertion criteria provided. Collection method: clinical testing. Allele origin: germline. Not counted in ClinVar's aggregate classification.
Comment: This variant is classified as likely benign based on ACMG/AMP sequence variant interpretation guidelines (Richards et al. 2015 PMID: 25741868, with internal and published modifications).